The following is an entry in ClinVar:

ClinVar aggregate classification (germline): Uncertain significance (1 of 4 stars; one submission).

Conditions:
Inborn genetic diseases. Identifiers: MedGen C0950123, MeSH D030342.

Submission:

Ambry Genetics
Classification: Uncertain significance for Inborn genetic diseases. Last evaluated: 2025-08-22. Review status: criteria provided, single submitter. Criteria: Ambry Variant Classification Scheme 2023. Collection method: clinical testing. Allele origin: germline.
Comment: The p.Q18R variant (also known as c.53A>G), located in coding exon 1 of the G6PC3 gene, results from an A to G substitution at nucleotide position 53. The glutamine at codon 18 is replaced by arginine, an amino acid with highly similar properties. This amino acid position is conserved. In addition, this alteration is predicted to be tolerated by in silico analysis. Based on the available evidence, the clinical significance of this variant remains unclear.

NM_138387.4(G6PC3):c.53A>G (p.Gln18Arg)

Gene: G6PC3 (glucose-6-phosphatase catalytic subunit 3; plus strand). Cytogenetic location: 17q21.31.
Variant type: single nucleotide variant.
Coding change: c.53A>G on transcript NM_138387.4 (MANE Select); coding-DNA position 53, A replaced by G.
Protein change: p.Gln18Arg; replaces glutamine 18 with arginine.
Molecular consequence: missense variant. On other transcripts: 5 prime UTR variant (3), intron variant (1).
Genome position (GRCh38, 1-based): chr17:44,071,018, A>G. VCF-style: chr17-44071018-A-G. GRCh37 (hg19) VCF-style: chr17-42148386-A-G.
Other names: c.53A>G, p.Gln18Arg (NM_001319945.2); c.-352A>G (NM_001384165.1); c.-487A>G (NM_001384166.1); c.-477A>G (NM_001384167.1); c.-312+304A>G (NM_001384168.1); short protein forms Q18R.
Identifiers: ClinVar variation 4261003 (VCV004261003.1).